The following is an entry in ClinVar:

NM_005045.4(RELN):c.5529+6del

Gene: RELN (reelin; minus strand). Cytogenetic location: 7q22.1.
Variant type: Deletion.
Coding change: c.5529+6del on transcript NM_005045.4 (MANE Select); 6 bases into the intron after coding-DNA position 5529, one base deleted (A; older notation c.5529+6delA).
Molecular consequence: intron variant.
Genome position (GRCh38, 1-based): chr7:103,561,526, T deleted on the plus strand (A on the coding strand, the reverse complement: RELN is on the minus strand). VCF-style (leftmost placement, unchanged base first): chr7-103561525-AT-A. GRCh37 (hg19) VCF-style: chr7-103201972-AT-A.
Other names: c.5529+6del (NM_173054.3).
Identifiers: ClinVar variation 2939687 (VCV002939687.3), dbSNP rs778495891, ClinGen allele CA4421190.

ClinVar aggregate classification (germline): Uncertain significance (1 of 4 stars; one submission).

Conditions:
Norman-Roberts syndrome (LIS2). Also called: Lissencephaly 2 (Norman-Roberts type). Identifiers: Orphanet 89844, MedGen C0796089, MONDO:0009760, OMIM 257320.
Familial temporal lobe epilepsy 7. Identifiers: Orphanet 101046, MedGen C4225327, MONDO:0014639, OMIM 616436.

Allele frequency attached by ClinVar (database versions not stated): gnomAD exomes below 0.00001; ExAC 0.00001.

Submission:

Labcorp Genetics (formerly Invitae), Labcorp
Classification: Uncertain significance for Familial temporal lobe epilepsy 7; Norman-Roberts syndrome. Last evaluated: 2023-07-27. Review status: criteria provided, single submitter. Criteria: Invitae Variant Classification Sherloc (09022015). Collection method: clinical testing. Allele origin: germline.
Comment: In summary, the available evidence is currently insufficient to determine the role of this variant in disease. Therefore, it has been classified as a Variant of Uncertain Significance. Variants that disrupt the consensus splice site are a relatively common cause of aberrant splicing (PMID: 17576681, 9536098). Algorithms developed to predict the effect of sequence changes on RNA splicing suggest that this variant may create or strengthen a splice site. This variant has not been reported in the literature in individuals affected with RELN-related conditions. This variant is present in population databases (rs778495891, gnomAD 0.0009%). This sequence change falls in intron 36 of the RELN gene. It does not directly change the encoded amino acid sequence of the RELN protein. It affects a nucleotide within the consensus splice site.

Literature cited by the submitters: PubMed 17576681; PubMed 9536098.